The following is an entry in ClinVar:

ClinVar aggregate classification (germline): Uncertain significance (1 of 4 stars; one submission).

Conditions:
Inborn genetic diseases. Identifiers: MedGen C0950123, MeSH D030342.

Submission:

Ambry Genetics
Classification: Uncertain significance for Inborn genetic diseases. Last evaluated: 2024-06-19. Review status: criteria provided, single submitter. Criteria: Ambry Variant Classification Scheme 2023. Collection method: clinical testing. Allele origin: germline.
Comment: The p.G1751R variant (also known as c.5251G>A), located in coding exon 36 of the LRRK2 gene, results from a G to A substitution at nucleotide position 5251. The glycine at codon 1751 is replaced by arginine, an amino acid with dissimilar properties. This amino acid position is conserved. In addition, this alteration is predicted to be tolerated by in silico analysis. Since supporting evidence is limited at this time, the clinical significance of this alteration remains unclear.

NM_198578.4(LRRK2):c.5251G>A (p.Gly1751Arg)

Gene: LRRK2 (leucine rich repeat kinase 2; plus strand). Cytogenetic location: 12q12.
Variant type: single nucleotide variant.
Coding change: c.5251G>A on transcript NM_198578.4 (MANE Select); coding-DNA position 5251, G replaced by A.
Protein change: p.Gly1751Arg; replaces glycine 1751 with arginine.
Molecular consequence: missense variant.
Genome position (GRCh38, 1-based): chr12:40,322,115, G>A. VCF-style: chr12-40322115-G-A. GRCh37 (hg19) VCF-style: chr12-40715917-G-A.
Other names: short protein forms G1751R.
Identifiers: ClinVar variation 1746370 (VCV001746370.3), dbSNP rs1420830707, ClinGen allele CA384420334.